The following is an entry in ClinVar:

NM_016169.4(SUFU):c.746C>G (p.Pro249Arg)

Gene: SUFU (SUFU negative regulator of hedgehog signaling; plus strand). Cytogenetic location: 10q24.32.
Variant type: single nucleotide variant.
Coding change: c.746C>G on transcript NM_016169.4 (MANE Select); coding-DNA position 746, C replaced by G.
Protein change: p.Pro249Arg; replaces proline 249 with arginine.
Molecular consequence: missense variant.
Genome position (GRCh38, 1-based): chr10:102,594,055, C>G. VCF-style: chr10-102594055-C-G. GRCh37 (hg19) VCF-style: chr10-104353812-C-G.
Other names: c.746C>G, p.Pro249Arg (NM_001178133.2); short protein forms P249R.
Identifiers: ClinVar variation 1759049 (VCV001759049.3), dbSNP rs2545087118, ClinGen allele CA377909924.

ClinVar aggregate classification (germline): Uncertain significance (1 of 4 stars; one submission).

Conditions:
Hereditary cancer-predisposing syndrome. Also called: Neoplastic Syndromes, Hereditary; Tumor predisposition; Hereditary Cancer Syndrome; Hereditary neoplastic syndrome. Identifiers: Orphanet 140162, MedGen C0027672, MeSH D009386, MONDO:0015356.

Submission:

Ambry Genetics
Classification: Uncertain significance for Hereditary cancer-predisposing syndrome. Last evaluated: 2023-01-30. Review status: criteria provided, single submitter. Criteria: Ambry Variant Classification Scheme 2023. Collection method: clinical testing. Allele origin: germline.
Comment: The p.P249R variant (also known as c.746C>G), located in coding exon 6 of the SUFU gene, results from a C to G substitution at nucleotide position 746. The proline at codon 249 is replaced by arginine, an amino acid with dissimilar properties. This amino acid position is highly conserved in available vertebrate species. In addition, this alteration is predicted to be deleterious by in silico analysis. Since supporting evidence is limited at this time, the clinical significance of this alteration remains unclear.